The following is an entry in ClinVar:

NM_001127222.2(CACNA1A):c.1008C>G (p.Asn336Lys)

Genes: CACNA1A (calcium voltage-gated channel subunit alpha1 A; minus strand), LOC126862866 (MED14-independent group 3 enhancer GRCh37_chr19:13445719-13446918; plus strand). Cytogenetic location: 19p13.13.
Variant type: single nucleotide variant.
Coding change: c.1008C>G on transcript NM_001127222.2 (MANE Select); coding-DNA position 1008, C replaced by G.
Protein change: p.Asn336Lys; replaces asparagine 336 with lysine.
Molecular consequence: missense variant.
Genome position (GRCh38, 1-based): chr19:13,335,880, G>C on the plus strand (C>G on the coding strand, the complement: CACNA1A is on the minus strand). VCF-style: chr19-13335880-G-C. GRCh37 (hg19) VCF-style: chr19-13446694-G-C.
Other names: c.1008C>G, p.Asn336Lys (NM_000068.4, NM_001127221.2, NM_001174080.2 and 1 more transcripts); short protein forms N336K.
Identifiers: ClinVar variation 4282139 (VCV004282139.1).

ClinVar aggregate classification (germline): Uncertain significance (1 of 4 stars; one submission).

Submission:

GeneDx
Classification: Uncertain significance. Last evaluated: 2025-04-13. Review status: criteria provided, single submitter. Criteria: GeneDx Variant Classification Process June 2021. Collection method: clinical testing. Allele origin: germline. Affected: yes.
Comment: Not observed at significant frequency in large population cohorts (gnomAD); In silico analysis supports that this missense variant has a deleterious effect on protein structure/function; Has not been previously published as pathogenic or benign to our knowledge